The following is an entry in ClinVar:

NM_152424.4(AMER1):c.868G>A (p.Gly290Arg)

Gene: AMER1 (APC membrane recruitment protein 1; minus strand). Cytogenetic location: Xq11.2.
Variant type: single nucleotide variant.
Coding change: c.868G>A on transcript NM_152424.4 (MANE Select); coding-DNA position 868, G replaced by A.
Protein change: p.Gly290Arg; replaces glycine 290 with arginine.
Molecular consequence: missense variant.
Genome position (GRCh38, 1-based): chrX:64,192,419, C>T on the plus strand (G>A on the coding strand, the complement: AMER1 is on the minus strand). VCF-style: chrX-64192419-C-T. GRCh37 (hg19) VCF-style: chrX-63412299-C-T.
Other names: short protein forms G290R.
Identifiers: ClinVar variation 2830667 (VCV002830667.3), dbSNP rs1300950063, ClinGen allele CA413309184.

ClinVar aggregate classification (germline): Uncertain significance (1 of 4 stars; one submission).

Allele frequency attached by ClinVar (database versions not stated): gnomAD exomes below 0.00001; gnomAD 0.00002; TOPMed 0.00003.

Submission:

Labcorp Genetics (formerly Invitae), Labcorp
Classification: Uncertain significance. Last evaluated: 2023-05-20. Review status: criteria provided, single submitter. Criteria: Invitae Variant Classification Sherloc (09022015). Collection method: clinical testing. Allele origin: germline.
Comment: In summary, the available evidence is currently insufficient to determine the role of this variant in disease. Therefore, it has been classified as a Variant of Uncertain Significance. An algorithm developed to predict the effect of missense changes on protein structure and function (PolyPhen-2) suggests that this variant is likely to be disruptive. This variant has not been reported in the literature in individuals affected with AMER1-related conditions. This variant is present in population databases (no rsID available, gnomAD 0.004%). This sequence change replaces glycine, which is neutral and non-polar, with arginine, which is basic and polar, at codon 290 of the AMER1 protein (p.Gly290Arg).